The following is an entry in ClinVar:

NM_000051.4(ATM):c.5355T>G (p.Pro1785=)

Gene: ATM (ATM serine/threonine kinase; plus strand). Cytogenetic location: 11q22.3.
Variant type: single nucleotide variant.
Coding change: c.5355T>G on transcript NM_000051.4 (MANE Select); coding-DNA position 5355, T replaced by G.
Protein change: p.Pro1785=; no amino-acid change (proline 1785 retained).
Molecular consequence: synonymous variant.
Genome position (GRCh38, 1-based): chr11:108,302,888, T>G. VCF-style: chr11-108302888-T-G. GRCh37 (hg19) VCF-style: chr11-108173615-T-G.
Other names: c.5355T>G, p.Pro1785= (NM_001351834.2).
Identifiers: ClinVar variation 524483 (VCV000524483.17), dbSNP rs1025083720, ClinGen allele CA228388321.

ClinVar aggregate classification (germline): Benign/Likely benign. Review status: criteria provided, multiple submitters, no conflicts (2 of 4 stars). 5 submissions from 5 submitters: Benign (1); Likely benign (4). Last evaluated 2026-01-04.

Conditions:
Familial cancer of breast. Also called: hereditary breast carcinoma; BREAST CANCER, FAMILIAL; Hereditary breast cancer. Identifiers: Orphanet 227535, MedGen C0346153, MONDO:0016419, OMIM 114480. Disease mechanism: loss of function.
Hereditary cancer-predisposing syndrome. Also called: Neoplastic Syndromes, Hereditary; Tumor predisposition; Hereditary Cancer Syndrome; Hereditary neoplastic syndrome. Identifiers: Orphanet 140162, MedGen C0027672, MeSH D009386, MONDO:0015356.
Ataxia-telangiectasia syndrome (AT). Also called: ATAXIA-TELANGIECTASIA, COMPLEMENTATION GROUP A; ATAXIA-TELANGIECTASIA, FRESNO VARIANT; Ataxia-telangiectasia; Ataxia-telangiectasia, complementation group D; AT, COMPLEMENTATION GROUP C; Ataxia-telangiectasia, complementation group E. Identifiers: Orphanet 100, MedGen C0004135, MONDO:0008840, OMIM 208900.

Allele frequency attached by ClinVar (database versions not stated): TOPMed below 0.00001; gnomAD 0.00001.
gnomAD v4.1: 2 of 1,613,072 alleles (0.00012%); highest among the groups gnomAD compares: African/African-American, 0.0027%; no homozygotes.

Submissions (5):

Labcorp Genetics (formerly Invitae), Labcorp
Classification: Likely benign for Ataxia-telangiectasia syndrome. Last evaluated: 2026-01-04. Review status: criteria provided, single submitter. Criteria: Invitae Variant Classification Sherloc (09022015). Collection method: clinical testing. Allele origin: germline.

Myriad Genetics, Inc.
Classification: Benign for Familial cancer of breast. Last evaluated: 2024-05-23. Review status: criteria provided, single submitter. Criteria: Myriad Autosomal Dominant, Autosomal Recessive and X-Linked Classification Criteria (2023). Collection method: clinical testing. Allele origin: unknown.
Comment: This variant is considered benign. This variant is a silent/synonymous amino acid change and it is not expected to impact splicing.

Institute for Biomarker Research, Medical Diagnostic Laboratories, L.L.C.
Classification: Likely benign for Hereditary cancer-predisposing syndrome. Last evaluated: 2024-03-12. Review status: criteria provided, single submitter. Criteria: ACMG Guidelines, 2015. Collection method: clinical testing. Allele origin: germline.

Ambry Genetics
Classification: Likely benign for Hereditary cancer-predisposing syndrome. Last evaluated: 2019-05-23. Review status: criteria provided, single submitter. Criteria: Ambry Variant Classification Scheme 2023. Collection method: clinical testing. Allele origin: germline.

Color Diagnostics, LLC DBA Color Health
Classification: Likely benign for Hereditary cancer-predisposing syndrome. Last evaluated: 2017-11-06. Review status: criteria provided, single submitter. Criteria: ACMG Guidelines, 2015. Collection method: clinical testing. Allele origin: germline.